The following is an entry in ClinVar:

ClinVar aggregate classification (germline): Pathogenic (1 of 4 stars; one submission).

Conditions:
Cardiovascular phenotype. Identifiers: MedGen CN230736.

Submission:

Ambry Genetics
Classification: Pathogenic for Cardiovascular phenotype. Last evaluated: 2021-09-22. Review status: criteria provided, single submitter. Criteria: Ambry Variant Classification Scheme 2023. Collection method: clinical testing. Allele origin: germline.
Comment: The c.65delA pathogenic mutation, located in coding exon 2 of the ACVRL1 gene, results from a deletion of one nucleotide at nucleotide position 65, causing a translational frameshift with a predicted alternate stop codon (p.D22Afs*3). This variant is considered to be rare based on population cohorts in the Genome Aggregation Database (gnomAD). This alteration is expected to result in loss of function by premature protein truncation or nonsense-mediated mRNA decay. As such, this alteration is interpreted as a disease-causing mutation.

NM_000020.3(ACVRL1):c.65del (p.Asp22fs)

Gene: ACVRL1 (activin A receptor like type 1; plus strand). Cytogenetic location: 12q13.13.
Variant type: Deletion.
Coding change: c.65del on transcript NM_000020.3 (MANE Select); coding-DNA position 65, one base deleted (A; older notation c.65delA).
Protein change: p.Asp22fs; shifts the reading frame from aspartic acid 22.
Molecular consequence: frameshift variant.
Genome position (GRCh38, 1-based): chr12:51,913,102, A deleted. VCF-style (leftmost placement, unchanged base first): chr12-51913101-GA-G. GRCh37 (hg19) VCF-style: chr12-52306885-GA-G.
Other names: c.65del, p.Asp22fs (NM_001077401.2); c.65delA, p.Asp22Alafs (NM_001406487.1, NM_001406488.1, NM_001406489.1 and 5 more transcripts); short protein forms D22fs.
Identifiers: ClinVar variation 1754408 (VCV001754408.2), dbSNP rs2540158104, ClinGen allele CA2580086422.